The following is an entry in ClinVar:

ClinVar aggregate classification (germline): Conflicting classifications of pathogenicity. Review status: criteria provided, conflicting classifications (1 of 4 stars). 5 submissions from 5 submitters: Uncertain significance (1); Benign (1); Likely benign (3). Last evaluated 2026-02-02.

Conditions:
Emery-Dreifuss muscular dystrophy 5, autosomal dominant (EDMD5). Also called: EMERY-DREIFUSS MUSCULAR DYSTROPHY 5. Identifiers: Orphanet 261, MedGen C2751805, MONDO:0013072, OMIM 612999.

Allele frequency attached by ClinVar (database versions not stated): 1000 Genomes Project 30x 0.00078; 1000 Genomes Project 0.00080; gnomAD 0.00132 and 0.00139; TOPMed 0.00133; ExAC 0.00145; gnomAD exomes 0.00151 and 0.00292; ESP Exome Variant Server 0.00192.
gnomAD v4.1: 4,447 of 1,614,006 alleles (0.28%); highest among the groups gnomAD compares: Non-Finnish European, 0.35%; 11 homozygotes.

Submissions (5):

Labcorp Genetics (formerly Invitae), Labcorp
Classification: Likely benign for Emery-Dreifuss muscular dystrophy 5, autosomal dominant. Last evaluated: 2026-02-02. Review status: criteria provided, single submitter. Criteria: Invitae Variant Classification Sherloc (09022015). Collection method: clinical testing. Allele origin: germline.

Blueprint Genetics
Classification: Likely benign. Last evaluated: 2024-11-26. Review status: criteria provided, single submitter. Criteria: ACMG Guidelines, 2015. Collection method: clinical testing. Allele origin: germline.

CeGaT Center for Human Genetics Tuebingen
Classification: Likely benign. Last evaluated: 2024-07-01. Review status: criteria provided, single submitter. Criteria: CeGaT Center For Human Genetics Tuebingen Variant Classification Criteria Version 2. Collection method: clinical testing. Allele origin: germline. Affected: yes. Observed: 5 variant alleles.
Comment: SYNE2: BP4, BP7, BS2

Illumina Laboratory Services, Illumina
Classification: Benign for Emery-Dreifuss muscular dystrophy 5, autosomal dominant. Last evaluated: 2018-01-12. Review status: criteria provided, single submitter. Criteria: ICSL Variant Classification Criteria 13 December 2019. Collection method: clinical testing. Allele origin: germline.
Comment: This variant was observed in the ICSL laboratory as part of a predisposition screen in an ostensibly healthy population. It had not been previously curated by ICSL or reported in the Human Gene Mutation Database (HGMD: prior to June 1st, 2018), and was therefore a candidate for classification through an automated scoring system. Utilizing variant allele frequency, disease prevalence and penetrance estimates, and inheritance mode, an automated score was calculated to assess if this variant is too frequent to cause the disease. Based on the score and internal cut-off values, a variant classified as benign is not then subjected to further curation. The score for this variant resulted in a classification of benign for this disease.

Eurofins Ntd Llc (ga)
Classification: Uncertain significance. Last evaluated: 2014-11-17. Review status: criteria provided, single submitter. Criteria: EGL Classification Definitions 2015. Collection method: clinical testing. Allele origin: germline. Observed: 16 variant alleles, 16 heterozygotes.

NM_182914.3(SYNE2):c.15928T>C (p.Leu5310=)

Gene: SYNE2 (spectrin repeat containing nuclear envelope protein 2; plus strand). Cytogenetic location: 14q23.2.
Variant type: single nucleotide variant.
Coding change: c.15928T>C on transcript NM_182914.3 (MANE Select); coding-DNA position 15928, T replaced by C.
Protein change: p.Leu5310=; no amino-acid change (leucine 5310 retained).
Molecular consequence: synonymous variant.
Genome position (GRCh38, 1-based): chr14:64,158,760, T>C. VCF-style: chr14-64158760-T-C. GRCh37 (hg19) VCF-style: chr14-64625478-T-C.
Other names: c.15928T>C, p.Leu5310= (NM_015180.6).
Identifiers: ClinVar variation 198964 (VCV000198964.46), dbSNP rs74975380, ClinGen allele CA247901.